The following is an entry in ClinVar:

ClinVar aggregate classification (germline): Pathogenic (1 of 4 stars; one submission).

Submission:

Labcorp Genetics (formerly Invitae), Labcorp
Classification: Pathogenic. Last evaluated: 2022-12-08. Review status: criteria provided, single submitter. Criteria: Invitae Variant Classification Sherloc (09022015). Collection method: clinical testing. Allele origin: germline.
Comment: For these reasons, this variant has been classified as Pathogenic. This variant has not been reported in the literature in individuals affected with C5-related conditions. This variant is not present in population databases (gnomAD no frequency). This sequence change creates a premature translational stop signal (p.Glu1413Lysfs*11) in the C5 gene. It is expected to result in an absent or disrupted protein product. Loss-of-function variants in C5 are known to be pathogenic (PMID: 7730648, 19414197, 27026170).

Literature cited by the submitters: PubMed 7730648; PubMed 19414197; PubMed 27026170.

NM_001735.3(C5):c.4237del (p.Glu1413fs)

Gene: C5 (complement C5; minus strand). Cytogenetic location: 9q33.2.
Variant type: Deletion.
Coding change: c.4237del on transcript NM_001735.3 (MANE Select); coding-DNA position 4237, one base deleted (G; older notation c.4237delG).
Protein change: p.Glu1413fs; shifts the reading frame from glutamic acid 1413.
Molecular consequence: frameshift variant.
Genome position (GRCh38, 1-based): chr9:120,963,722, C deleted on the plus strand (G on the coding strand, the reverse complement: C5 is on the minus strand); the first of 3 consecutive C bases (chr9:120,963,722-120,963,724); deleting any one gives the same sequence. VCF-style (leftmost placement, unchanged base first): chr9-120963721-TC-T. GRCh37 (hg19) VCF-style: chr9-123725999-TC-T.
Other names: c.4255del, p.Glu1419fs (NM_001317163.2); short protein forms E1413fs, E1419fs.
Identifiers: ClinVar variation 2789468 (VCV002789468.3), dbSNP rs2540377790, ClinGen allele CA2739265023.